The following is an entry in ClinVar:

NM_033380.3(COL4A5):c.1989del (p.Lys664fs)

Gene: COL4A5 (collagen type IV alpha 5 chain; plus strand). Cytogenetic location: Xq22.3.
Variant type: Deletion.
Coding change: c.1989del on transcript NM_033380.3 (MANE Select); coding-DNA position 1989, one base deleted (G; older notation c.1989delG).
Protein change: p.Lys664fs; shifts the reading frame from lysine 664.
Molecular consequence: frameshift variant.
Genome position (GRCh38, 1-based): chrX:108,601,433, G deleted; the last of 4 consecutive G bases (chrX:108,601,430-108,601,433); deleting any one gives the same sequence. VCF-style (leftmost placement, unchanged base first): chrX-108601429-CG-C. GRCh37 (hg19) VCF-style: chrX-107844659-CG-C.
Other names: c.1989del, p.Lys664fs (NM_000495.5); short protein forms K664fs.
Identifiers: ClinVar variation 845398 (VCV000845398.7), dbSNP rs2066626118, ClinGen allele CA916083991.

ClinVar aggregate classification (germline): Pathogenic (1 of 4 stars; one submission).

Submission:

Labcorp Genetics (formerly Invitae), Labcorp
Classification: Pathogenic. Last evaluated: 2023-10-28. Review status: criteria provided, single submitter. Criteria: Invitae Variant Classification Sherloc (09022015). Collection method: clinical testing. Allele origin: germline.
Comment: This sequence change creates a premature translational stop signal (p.Lys664Serfs*14) in the COL4A5 gene. It is expected to result in an absent or disrupted protein product. Loss-of-function variants in COL4A5 are known to be pathogenic (PMID: 9195222, 10752524, 14514738, 24854265, 26809805). This variant is not present in population databases (gnomAD no frequency). This variant has not been reported in the literature in individuals affected with COL4A5-related conditions. ClinVar contains an entry for this variant (Variation ID: 845398). For these reasons, this variant has been classified as Pathogenic.

Literature cited by the submitters: PubMed 9195222; PubMed 10752524; PubMed 14514738; PubMed 24854265; PubMed 26809805.